The following is an entry in ClinVar:

NM_000135.4(FANCA):c.197G>A (p.Gly66Asp)

Gene: FANCA (FA complementation group A; minus strand). Cytogenetic location: 16q24.3.
Variant type: single nucleotide variant.
Coding change: c.197G>A on transcript NM_000135.4 (MANE Select); coding-DNA position 197, G replaced by A.
Protein change: p.Gly66Asp; replaces glycine 66 with aspartic acid.
Molecular consequence: missense variant.
Genome position (GRCh38, 1-based): chr16:89,814,606, C>T on the plus strand (G>A on the coding strand, the complement: FANCA is on the minus strand). VCF-style: chr16-89814606-C-T. GRCh37 (hg19) VCF-style: chr16-89881014-C-T.
Other names: c.197G>A, p.Gly66Asp (NM_001018112.3, NM_001286167.3, NM_001351830.2); short protein forms G66D.
Identifiers: ClinVar variation 2730718 (VCV002730718.3), dbSNP rs764052666, ClinGen allele CA397482616.
Genomic context (GRCh38, chr16:89,814,606, plus strand): 5'-TAGGCCTCAGAACTGTCACAGTCAATCACTTTGCTGAGAGACAATTTTTTACACAGTGGA[C>T]CTTCTACCTAGAATCCAAAACACAACAAACTCCATTTAAAAAATTCAAGCTCCAGGCCAG-3'
Protein context (NP_000126.2, residues 56-76): DLNALLLEVE[Gly66Asp]PLCKKLSLSK

ClinVar aggregate classification (germline): Uncertain significance (1 of 4 stars; one submission).

Conditions:
Fanconi anemia (FA). Also called: Fanconi's anemia. Identifiers: Orphanet 84, MedGen C0015625, MeSH D005199, MONDO:0019391.

gnomAD v4.1: 2 of 1,612,534 alleles (0.00012%); highest among the groups gnomAD compares: Admixed American, 0.0017%; no homozygotes.

Submission:

Labcorp Genetics (formerly Invitae), Labcorp
Classification: Uncertain significance for Fanconi anemia. Last evaluated: 2025-08-30. Review status: criteria provided, single submitter. Criteria: Invitae Variant Classification Sherloc (09022015). Collection method: clinical testing. Allele origin: germline.
Comment: This sequence change replaces glycine, which is neutral and non-polar, with aspartic acid, which is acidic and polar, at codon 66 of the FANCA protein (p.Gly66Asp). This variant is not present in population databases (gnomAD no frequency). This variant has not been reported in the literature in individuals affected with FANCA-related conditions. ClinVar contains an entry for this variant (Variation ID: 2730718). Invitae Evidence Modeling of protein sequence and biophysical properties (such as structural, functional, and spatial information, amino acid conservation, physicochemical variation, residue mobility, and thermodynamic stability) indicates that this missense variant is not expected to disrupt FANCA protein function with a negative predictive value of 95%. In summary, the available evidence is currently insufficient to determine the role of this variant in disease. Therefore, it has been classified as a Variant of Uncertain Significance.